The following is an entry in ClinVar:

ClinVar aggregate classification (germline): Uncertain significance (1 of 4 stars; one submission).

Submission:

Labcorp Genetics (formerly Invitae), Labcorp
Classification: Uncertain significance. Last evaluated: 2025-01-01. Review status: criteria provided, single submitter. Criteria: Invitae Variant Classification Sherloc (09022015). Collection method: clinical testing. Allele origin: germline.
Comment: This sequence change replaces valine, which is neutral and non-polar, with methionine, which is neutral and non-polar, at codon 661 of the ALPK3 protein (p.Val661Met). This variant is not present in population databases (gnomAD no frequency). This variant has not been reported in the literature in individuals affected with ALPK3-related conditions. Invitae Evidence Modeling of protein sequence and biophysical properties (such as structural, functional, and spatial information, amino acid conservation, physicochemical variation, residue mobility, and thermodynamic stability) indicates that this missense variant is not expected to disrupt ALPK3 protein function with a negative predictive value of 80%. In summary, the available evidence is currently insufficient to determine the role of this variant in disease. Therefore, it has been classified as a Variant of Uncertain Significance.

NM_020778.5(ALPK3):c.1375G>A (p.Val459Met)

Gene: ALPK3 (alpha kinase 3; plus strand). Cytogenetic location: 15q25.3.
Variant type: single nucleotide variant.
Coding change: c.1375G>A on transcript NM_020778.5 (MANE Select); coding-DNA position 1375, G replaced by A.
Protein change: p.Val459Met; replaces valine 459 with methionine.
Molecular consequence: missense variant.
Genome position (GRCh38, 1-based): chr15:84,840,654, G>A. VCF-style: chr15-84840654-G-A. GRCh37 (hg19) VCF-style: chr15-85383885-G-A.
Other names: short protein forms V459M.
Identifiers: ClinVar variation 3704140 (VCV003704140.2).